The following is an entry in ClinVar:

ClinVar aggregate classification (germline): Uncertain significance (1 of 4 stars; one submission).

Conditions:
TNC-related disorder. Also called: TNC-related condition.

gnomAD v4.1: 149 of 1,614,182 alleles (0.0092%); highest among the groups gnomAD compares: East Asian, 0.029%; no homozygotes.

Submission:

PreventionGenetics, part of Exact Sciences
Classification: Uncertain significance for TNC-related condition. Last evaluated: 2025-11-26. Review status: criteria provided, single submitter. Criteria: ACMG Guidelines, 2015. Collection method: clinical testing. Allele origin: germline.
Comment: The TNC c.1540G>A variant is predicted to result in the amino acid substitution p.Gly514Arg. To our knowledge, this variant has not been reported in the literature. This variant is reported in 0.030% of alleles in individuals of East Asian descent in gnomAD. Although we suspect that this variant may be benign, at this time, the clinical significance of this variant is uncertain due to the absence of conclusive functional and genetic evidence.

NM_002160.4(TNC):c.1540G>A (p.Gly514Arg)

Gene: TNC (tenascin C; minus strand). Cytogenetic location: 9q33.1.
Variant type: single nucleotide variant.
Coding change: c.1540G>A on transcript NM_002160.4 (MANE Select); coding-DNA position 1540, G replaced by A.
Protein change: p.Gly514Arg; replaces glycine 514 with arginine.
Molecular consequence: missense variant.
Genome position (GRCh38, 1-based): chr9:115,086,191, C>T on the plus strand (G>A on the coding strand, the complement: TNC is on the minus strand). VCF-style: chr9-115086191-C-T. GRCh37 (hg19) VCF-style: chr9-117848470-C-T.
Other names: c.1540G>A, p.Gly514Arg (NM_001410991.1, NM_001439065.1, NM_001439066.1 and 35 more transcripts); short protein forms G514R.
Identifiers: ClinVar variation 4987375 (VCV004987375.1).